The following is an entry in ClinVar:

NM_004104.5(FASN):c.946C>T (p.Arg316Cys)

Gene: FASN (fatty acid synthase; minus strand). Cytogenetic location: 17q25.3.
Variant type: single nucleotide variant.
Coding change: c.946C>T on transcript NM_004104.5 (MANE Select); coding-DNA position 946, C replaced by T.
Protein change: p.Arg316Cys; replaces arginine 316 with cysteine.
Molecular consequence: missense variant.
Genome position (GRCh38, 1-based): chr17:82,092,538, G>A on the plus strand (C>T on the coding strand, the complement: FASN is on the minus strand). VCF-style: chr17-82092538-G-A. GRCh37 (hg19) VCF-style: chr17-80050414-G-A.
Other names: c.946C>T (NM_004104.4); short protein forms R316C.
Identifiers: ClinVar variation 1369093 (VCV001369093.9), dbSNP rs754799750, ClinGen allele CA8853292.
Genomic context (GRCh38, chr17:82,092,538, plus strand): 5'-AGGCTGGCTCCGGGTGCCCCATGTTGGACTTGGTGGAGCCGATGAGCAGCGGCTCCTGGC[G>A]GGTGGCGCACAGGGCTCGGGTGATGCCATTCAGCTCCTGGGGGTCGCCCACCTGTGGGAA-3'
Protein context (NP_004095.4, residues 306-326): NGITRALCAT[Arg316Cys]QEPLLIGSTK

ClinVar aggregate classification (germline): Uncertain significance. Review status: criteria provided, multiple submitters, no conflicts (2 of 4 stars). 2 submissions from 2 submitters: Uncertain significance (2). Last evaluated 2023-06-23.

Conditions:
Epileptic encephalopathy. Identifiers: MedGen C0543888, HP:0200134.

Allele frequency attached by ClinVar (database versions not stated): gnomAD exomes below 0.00001 and 0.00001; ExAC 0.00001.

Submissions (2):

Labcorp Genetics (formerly Invitae), Labcorp
Classification: Uncertain significance for Epileptic encephalopathy. Last evaluated: 2023-06-23. Review status: criteria provided, single submitter. Criteria: Invitae Variant Classification Sherloc (09022015). Collection method: clinical testing. Allele origin: germline.
Comment: This variant has not been reported in the literature in individuals affected with FASN-related conditions. In summary, the available evidence is currently insufficient to determine the role of this variant in disease. Therefore, it has been classified as a Variant of Uncertain Significance. An algorithm developed to predict the effect of missense changes on protein structure and function (PolyPhen-2) suggests that this variant is likely to be disruptive. ClinVar contains an entry for this variant (Variation ID: 1369093). This variant is present in population databases (rs754799750, gnomAD 0.007%). This sequence change replaces arginine, which is basic and polar, with cysteine, which is neutral and slightly polar, at codon 316 of the FASN protein (p.Arg316Cys).

Ambry Genetics
Classification: Uncertain significance. Last evaluated: 2022-01-26. Review status: criteria provided, single submitter. Criteria: Ambry Variant Classification Scheme 2023. Collection method: clinical testing. Allele origin: germline.